The following is an entry in ClinVar:

ClinVar aggregate classification (germline): Uncertain significance (1 of 4 stars; one submission).

Conditions:
Singleton-Merten syndrome 1 (SGMRT1). Also called: Widened medullary cavities of bone, aortic calcification, abnormal dentition, and muscular weakness; Syndrome of widened medullary cavities of the metacarpals and phalanges, aortic calcification and abnormal dentition. Identifiers: Orphanet 85191, MedGen C4225427, MONDO:0024535, OMIM 182250.
Aicardi-Goutieres syndrome 7 (AGS7). Identifiers: Orphanet 51, MedGen C3888244, MONDO:0014367, OMIM 615846.

Allele frequency attached by ClinVar (database versions not stated): TOPMed below 0.00001.
gnomAD v4.1: 1 of 1,613,928 alleles (0.000062%); highest among the groups gnomAD compares: African/African-American, 0.0013%; no homozygotes.

Submission:

Labcorp Genetics (formerly Invitae), Labcorp
Classification: Uncertain significance for Aicardi-Goutieres syndrome 7; Singleton-Merten syndrome 1. Last evaluated: 2022-12-07. Review status: criteria provided, single submitter. Criteria: Invitae Variant Classification Sherloc (09022015). Collection method: clinical testing. Allele origin: germline.
Comment: This variant has not been reported in the literature in individuals affected with IFIH1-related conditions. This variant is not present in population databases (gnomAD no frequency). This sequence change creates a premature translational stop signal (p.Trp238*) in the IFIH1 gene. It is expected to result in an absent or disrupted protein product. However, the current clinical and genetic evidence is not sufficient to establish whether loss-of-function variants in IFIH1 cause disease. Algorithms developed to predict the effect of sequence changes on RNA splicing suggest that this variant may disrupt the consensus splice site. ClinVar contains an entry for this variant (Variation ID: 1460597). This premature translational stop signal has been observed in at least one individual who was not affected with IFIH1-related conditions (Invitae). In summary, the available evidence is currently insufficient to determine the role of this variant in disease. Therefore, it has been classified as a Variant of Uncertain Significance.

NM_022168.4(IFIH1):c.713G>A (p.Trp238Ter)

Gene: IFIH1 (interferon induced with helicase C domain 1; minus strand). Cytogenetic location: 2q24.2.
Variant type: single nucleotide variant.
Coding change: c.713G>A on transcript NM_022168.4 (MANE Select); coding-DNA position 713, G replaced by A.
Protein change: p.Trp238Ter; replaces tryptophan 238 with a stop codon.
Molecular consequence: nonsense.
Genome position (GRCh38, 1-based): chr2:162,306,765, C>T on the plus strand (G>A on the coding strand, the complement: IFIH1 is on the minus strand). VCF-style: chr2-162306765-C-T. GRCh37 (hg19) VCF-style: chr2-163163275-C-T.
Other names: short protein forms W238*.
Identifiers: ClinVar variation 1460597 (VCV001460597.6), dbSNP rs1346345254, ClinGen allele CA349008384.
Genomic context (GRCh38, chr2:162,306,765, plus strand): 5'-GTACCTGAAACTACAGAAGAATCTGCAAAAGATGATTCTGATGAGTTATTCTCCATGCCC[C>T]AGACCTCCTTCTCCAGATTTGGCTGAACTGTGGTTGAAAGAAGTTGCTCTTCCACTTGAG-3'